The following is an entry in ClinVar:

ClinVar aggregate classification (germline): Pathogenic (1 of 4 stars; one submission).

Conditions:
Baller-Gerold syndrome (BGS). Also called: CRANIOSYNOSTOSIS WITH RADIAL DEFECTS. Identifiers: Orphanet 1225, MedGen C0265308, MONDO:0009039, OMIM 218600.

Submission:

Labcorp Genetics (formerly Invitae), Labcorp
Classification: Pathogenic for Baller-Gerold syndrome. Last evaluated: 2018-04-18. Review status: criteria provided, single submitter. Criteria: Invitae Variant Classification Sherloc (09022015). Collection method: clinical testing. Allele origin: germline.
Comment: For these reasons, this variant has been classified as Pathogenic. Loss-of-function variants in RECQL4 are known to be pathogenic (PMID: 12734318, 12952869). This variant has not been reported in the literature in individuals with RECQL4-related disease. This variant is not present in population databases (ExAC no frequency). This sequence change creates a premature translational stop signal (p.Ala226Glyfs*70) in the RECQL4 gene. It is expected to result in an absent or disrupted protein product.

Literature cited by the submitters: PubMed 12734318; PubMed 12952869.

NM_004260.4(RECQL4):c.674_675insT (p.Ala226fs)

Gene: RECQL4 (RecQ like helicase 4; minus strand). Cytogenetic location: 8q24.3.
Variant type: Insertion.
Coding change: c.674_675insT on transcript NM_004260.4 (MANE Select); coding-DNA positions 674 to 675, T inserted.
Protein change: p.Ala226fs; shifts the reading frame from alanine 226.
Molecular consequence: frameshift variant.
Genome position: GRCh38 VCF-style: chr8-144516444-C-CA. GRCh37 (hg19) VCF-style: chr8-145741828-C-CA.
Other names: short protein forms A226fs.
Identifiers: ClinVar variation 566483 (VCV000566483.5), dbSNP rs1564807584, ClinGen allele CA891843316.